The following is an entry in ClinVar:

NM_004484.4(GPC3):c.1640A>G (p.Asn547Ser)

Gene: GPC3 (glypican 3; minus strand). Cytogenetic location: Xq26.2.
Variant type: single nucleotide variant.
Coding change: c.1640A>G on transcript NM_004484.4 (MANE Select); coding-DNA position 1640, A replaced by G.
Protein change: p.Asn547Ser; replaces asparagine 547 with serine.
Molecular consequence: missense variant.
Genome position (GRCh38, 1-based): chrX:133,536,227, T>C on the plus strand (A>G on the coding strand, the complement: GPC3 is on the minus strand). VCF-style: chrX-133536227-T-C. GRCh37 (hg19) VCF-style: chrX-132670255-T-C.
Other names: c.1709A>G, p.Asn570Ser (NM_001164617.2); c.1592A>G, p.Asn531Ser (NM_001164618.2); c.1478A>G, p.Asn493Ser (NM_001164619.2); short protein forms N493S, N531S, N547S, N570S.
Identifiers: ClinVar variation 997494 (VCV000997494.13), dbSNP rs2069289549, ClinGen allele CA414703016.
Genomic context (GRCh38, chrX:133,536,227, plus strand): 5'-CTGGTGAGAAGCTTCAGCGGGGAATGAACGTTCCCGAGGTTGTGAAAGGTGCTTATCTCG[T>C]TGTCCTTCGGAGTTGCCTGCTGACTGTTTCCAGGCGCATCATCCACATCCAGATCATAGG-3'
Protein context (NP_004475.1, residues 537-557): GNSQQATPKD[Asn547Ser]EISTFHNLGN

ClinVar aggregate classification (germline): Uncertain significance. Review status: criteria provided, multiple submitters, no conflicts (2 of 4 stars). 2 submissions from 2 submitters: Uncertain significance (2). Last evaluated 2022-10-12.

Conditions:
Simpson-Golabi-Behmel syndrome type 1 (SGBS1). Also called: GPC3-Related Simpson-Golabi-Behmel Syndrome Type 1; SIMPSON DYSMORPHIA SYNDROME; BULLDOG SYNDROME; DYSPLASIA GIGANTISM SYNDROME, X-LINKED; GOLABI-ROSEN SYNDROME. Identifiers: Orphanet 373, MedGen C0796154, MONDO:0020602, OMIM 312870.
Wilms tumor 1 (WT1). Also called: Wilms tumor, somatic. Identifiers: Orphanet 654, MedGen CN033288, MONDO:0008679, OMIM 194070.

Allele frequency attached by ClinVar (database versions not stated): gnomAD exomes below 0.00001.
gnomAD v4.1: 2 of 1,203,931 alleles (0.00017%); highest among the groups gnomAD compares: Non-Finnish European, 0.00011%; no homozygotes.

Submissions (2):

Labcorp Genetics (formerly Invitae), Labcorp
Classification: Uncertain significance for Wilms tumor 1. Last evaluated: 2022-10-12. Review status: criteria provided, single submitter. Criteria: Invitae Variant Classification Sherloc (09022015). Collection method: clinical testing. Allele origin: germline.
Comment: This sequence change replaces asparagine, which is neutral and polar, with serine, which is neutral and polar, at codon 547 of the GPC3 protein (p.Asn547Ser). This variant is not present in population databases (gnomAD no frequency). This variant has not been reported in the literature in individuals affected with GPC3-related conditions. ClinVar contains an entry for this variant (Variation ID: 997494). Algorithms developed to predict the effect of missense changes on protein structure and function output the following: SIFT: "Tolerated"; PolyPhen-2: "Benign"; Align-GVGD: "Class C0". The serine amino acid residue is found in multiple mammalian species, which suggests that this missense change does not adversely affect protein function. In summary, the available evidence is currently insufficient to determine the role of this variant in disease. Therefore, it has been classified as a Variant of Uncertain Significance.

Baylor Genetics
Classification: Uncertain significance for Simpson-Golabi-Behmel syndrome type 1. Last evaluated: 2019-02-21. Review status: criteria provided, single submitter. Criteria: ACMG Guidelines, 2015. Collection method: clinical testing. Allele origin: maternal. Affected: yes. Study: CSER-TexasKidsCanSeq.
Comment: This variant was determined to be of uncertain significance according to ACMG Guidelines, 2015 [PMID:25741868].